The following is an entry in ClinVar:

ClinVar aggregate classification (germline): Uncertain significance. Review status: criteria provided, multiple submitters, no conflicts (2 of 4 stars). 4 submissions from 4 submitters: Uncertain significance (4). Last evaluated 2025-10-24.

Conditions:
Fanconi anemia (FA). Also called: Fanconi's anemia. Identifiers: Orphanet 84, MedGen C0015625, MeSH D005199, MONDO:0019391.
Inborn genetic diseases. Identifiers: MedGen C0950123, MeSH D030342.

Allele frequency attached by ClinVar (database versions not stated): gnomAD exomes below 0.00001; gnomAD 0.00001; TOPMed 0.00001.
gnomAD v4.1: 7 of 1,613,866 alleles (0.00043%); highest among the groups gnomAD compares: Non-Finnish European, 0.00059%; no homozygotes.

Submissions (4):

Quest Diagnostics Nichols Institute San Juan Capistrano
Classification: Uncertain significance. Last evaluated: 2025-10-24. Review status: criteria provided, single submitter. Criteria: Quest Diagnostics criteria. Collection method: clinical testing. Allele origin: unknown.
Comment: The FANCM c.5838G>C (p.Lys1946Asn) variant has not been reported in individuals with FANCM-related conditions in the published literature. However, it has been observed in a reportedly unaffected individual in a large-scale breast cancer association study (PMID: 33471991 (2021), see also LOVD). The frequency of this variant in the general population (Genome Aggregation Database) is uninformative in the assessment of its pathogenicity. Analysis of this variant using bioinformatics tools for the prediction of the effect of amino acid changes on protein structure and function yielded conflicting predictions that this variant is benign or damaging. Based on the available information, we are unable to determine the clinical significance of this variant.

Ambry Genetics
Classification: Uncertain significance for Inborn genetic diseases. Last evaluated: 2024-11-22. Review status: criteria provided, single submitter. Criteria: Ambry Variant Classification Scheme 2023. Collection method: clinical testing. Allele origin: germline.
Comment: The p.K1946N variant (also known as c.5838G>C), located in coding exon 22 of the FANCM gene, results from a G to C substitution at nucleotide position 5838. The lysine at codon 1946 is replaced by asparagine, an amino acid with similar properties. This amino acid position is conserved. In addition, this alteration is predicted to be tolerated by in silico analysis. Based on the available evidence, the clinical significance of this variant remains unclear.

Labcorp Genetics (formerly Invitae), Labcorp
Classification: Uncertain significance for Fanconi anemia. Last evaluated: 2022-03-27. Review status: criteria provided, single submitter. Criteria: Invitae Variant Classification Sherloc (09022015). Collection method: clinical testing. Allele origin: germline.
Comment: This sequence change replaces lysine, which is basic and polar, with asparagine, which is neutral and polar, at codon 1946 of the FANCM protein (p.Lys1946Asn). This variant is not present in population databases (gnomAD no frequency). In summary, the available evidence is currently insufficient to determine the role of this variant in disease. Therefore, it has been classified as a Variant of Uncertain Significance. Algorithms developed to predict the effect of missense changes on protein structure and function are either unavailable or do not agree on the potential impact of this missense change (SIFT: "Tolerated"; PolyPhen-2: "Probably Damaging"; Align-GVGD: "Class C0"). ClinVar contains an entry for this variant (Variation ID: 408219). This variant has not been reported in the literature in individuals affected with FANCM-related conditions.

Institute for Clinical Genetics, University Hospital TU Dresden, University Hospital TU Dresden
Classification: Uncertain significance. Last evaluated: 2021-11-03. Review status: criteria provided, single submitter. Criteria: ACMG Guidelines, 2015. Collection method: clinical testing. Allele origin: germline.

Literature cited by the submitters: PubMed 33471991 (cited by Quest Diagnostics Nichols Institute San Juan Capistrano).

NM_020937.4(FANCM):c.5838G>C (p.Lys1946Asn)

Gene: FANCM (FA complementation group M; plus strand). Cytogenetic location: 14q21.2.
Variant type: single nucleotide variant.
Coding change: c.5838G>C on transcript NM_020937.4 (MANE Select); coding-DNA position 5838, G replaced by C.
Protein change: p.Lys1946Asn; replaces lysine 1946 with asparagine.
Molecular consequence: missense variant.
Genome position (GRCh38, 1-based): chr14:45,198,765, G>C. VCF-style: chr14-45198765-G-C. GRCh37 (hg19) VCF-style: chr14-45667968-G-C.
Other names: c.5838G>C (LRG_502t1, NM_020937.3); c.5760G>C, p.Lys1920Asn (NM_001308133.2); short protein forms K1946N, K1920N.
Identifiers: ClinVar variation 408219 (VCV000408219.13), dbSNP rs1060501893, ClinGen allele CA16614184.